The following is an entry in ClinVar:

ClinVar aggregate classification (germline): Uncertain significance (1 of 4 stars; one submission).

Allele frequency attached by ClinVar (database versions not stated): gnomAD 0.00001.
gnomAD v4.1: 16 of 1,613,918 alleles (0.00099%); highest among the groups gnomAD compares: African/African-American, 0.0013%; no homozygotes.

Submission:

Labcorp Genetics (formerly Invitae), Labcorp
Classification: Uncertain significance. Last evaluated: 2022-11-01. Review status: criteria provided, single submitter. Criteria: Invitae Variant Classification Sherloc (09022015). Collection method: clinical testing. Allele origin: germline.
Comment: This sequence change replaces arginine, which is basic and polar, with cysteine, which is neutral and slightly polar, at codon 412 of the COL27A1 protein (p.Arg412Cys). This variant is present in population databases (rs772899304, gnomAD 0.007%). This variant has not been reported in the literature in individuals affected with COL27A1-related conditions. Advanced modeling of protein sequence and biophysical properties (such as structural, functional, and spatial information, amino acid conservation, physicochemical variation, residue mobility, and thermodynamic stability) performed at Invitae indicates that this missense variant is not expected to disrupt COL27A1 protein function. In summary, the available evidence is currently insufficient to determine the role of this variant in disease. Therefore, it has been classified as a Variant of Uncertain Significance.

NM_032888.4(COL27A1):c.1234C>T (p.Arg412Cys)

Gene: COL27A1 (collagen type XXVII alpha 1 chain; plus strand). Cytogenetic location: 9q32.
Variant type: single nucleotide variant.
Coding change: c.1234C>T on transcript NM_032888.4 (MANE Select); coding-DNA position 1234, C replaced by T.
Protein change: p.Arg412Cys; replaces arginine 412 with cysteine.
Molecular consequence: missense variant.
Genome position (GRCh38, 1-based): chr9:114,168,789, C>T. VCF-style: chr9-114168789-C-T. GRCh37 (hg19) VCF-style: chr9-116931069-C-T.
Other names: short protein forms R412C.
Identifiers: ClinVar variation 2147078 (VCV002147078.1), dbSNP rs772899304, ClinGen allele CA5201336.